The following is an entry in ClinVar:

NM_001018005.2(TPM1):c.241-167A>T

Gene: TPM1 (tropomyosin 1; plus strand). Cytogenetic location: 15q22.2.
Variant type: single nucleotide variant.
Coding change: c.241-167A>T on transcript NM_001018005.2 (MANE Select); 167 bases into the intron before coding-DNA position 241, A replaced by T.
Molecular consequence: intron variant.
Genome position (GRCh38, 1-based): chr15:63,056,818, A>T. VCF-style: chr15-63056818-A-T. GRCh37 (hg19) VCF-style: chr15-63349017-A-T.
Other names: c.367-167A>T (NM_001365778.1); c.241-167A>T (NM_001018020.2, NM_001018007.2, NM_001018006.2 and 6 more transcripts); c.133-167A>T (NM_001330351.2, NM_001330344.2, NM_001018008.2 and 5 more transcripts).
Identifiers: ClinVar variation 675780 (VCV000675780.2), dbSNP rs114027732, ClinGen allele CA272031513.
Genomic context (GRCh38, chr15:63,056,818, plus strand): 5'-TGTGTGTATAGATTTGTGTATACACAAATATGGATGTTCACTGTATAAATCAATGTGTAA[A>T]TGTGTCCGAGAACTCCAGAGTTGATGAGGGCTTGTAATGCACTTAAAGGTAGCTCACCAC-3'

ClinVar aggregate classification (germline): Likely benign. Review status: criteria provided, multiple submitters, no conflicts (2 of 4 stars). 2 submissions from 2 submitters: Likely benign (2). Last evaluated 2018-06-19.

Allele frequency attached by ClinVar (database versions not stated): gnomAD 0.00970 and 0.01042; TOPMed 0.01076; 1000 Genomes Project 0.01138; 1000 Genomes Project 30x 0.01140.
gnomAD v4.1: 2,447 of 830,992 alleles (0.29%); highest among the groups gnomAD compares: African/African-American, 3.2%; 43 homozygotes.

Submissions (2):

GeneDx
Classification: Likely benign. Last evaluated: 2018-06-19. Review status: criteria provided, single submitter. Criteria: GeneDx Variant Classification (06012015). Collection method: clinical testing. Allele origin: germline. Affected: yes.
Comment: This variant is considered likely benign or benign based on one or more of the following criteria: it is a conservative change, it occurs at a poorly conserved position in the protein, it is predicted to be benign by multiple in silico algorithms, and/or has population frequency not consistent with disease.

Breakthrough Genomics
Classification: Likely benign. Review status: criteria provided, single submitter. Criteria: ACMG Guidelines, 2015. Collection method: not provided. Allele origin: germline. Inheritance: Autosomal dominant inheritance. Affected: yes.